The following is an entry in ClinVar:

ClinVar aggregate classification (germline): Conflicting classifications of pathogenicity. Review status: criteria provided, conflicting classifications (1 of 4 stars). 6 submissions from 5 submitters: Uncertain significance (2); Likely benign (4). Last evaluated 2026-01-20.

Conditions:
Autosomal recessive nonsyndromic hearing loss 7. Also called: DEAFNESS, AUTOSOMAL RECESSIVE 11. Identifiers: Orphanet 90636, MedGen C1832978, MONDO:0010967, OMIM 600974.
Autosomal dominant nonsyndromic hearing loss 36. Identifiers: Orphanet 90635, MedGen C1847626, MONDO:0011708, OMIM 606705.

Allele frequency attached by ClinVar (database versions not stated): gnomAD exomes 0.00004; ExAC 0.00006; gnomAD 0.00007; TOPMed 0.00012; ESP Exome Variant Server 0.00015.
gnomAD v4.1: 92 of 1,613,472 alleles (0.0057%); highest among the groups gnomAD compares: Middle Eastern, 0.37%; no homozygotes.

Submissions (6):

Labcorp Genetics (formerly Invitae), Labcorp
Classification: Likely benign. Last evaluated: 2026-01-20. Review status: criteria provided, single submitter. Criteria: Invitae Variant Classification Sherloc (09022015). Collection method: clinical testing. Allele origin: germline.

Blueprint Genetics
Classification: Likely benign. Last evaluated: 2024-03-08. Review status: criteria provided, single submitter. Criteria: ACMG Guidelines, 2015. Collection method: clinical testing. Allele origin: germline.

Illumina Laboratory Services, Illumina
Classification: Uncertain significance for Autosomal recessive nonsyndromic hearing loss 7. Last evaluated: 2017-04-27. Review status: criteria provided, single submitter. Criteria: ICSL Variant Classification Criteria 13 December 2019. Collection method: clinical testing. Allele origin: germline.

Illumina Laboratory Services, Illumina
Classification: Uncertain significance for Autosomal dominant nonsyndromic hearing loss 36. Last evaluated: 2017-04-27. Review status: criteria provided, single submitter. Criteria: ICSL Variant Classification Criteria 13 December 2019. Collection method: clinical testing. Allele origin: germline.

Laboratory for Molecular Medicine, Mass General Brigham Personalized Medicine
Classification: Likely benign. Last evaluated: 2012-04-30. Review status: criteria provided, single submitter. Criteria: LMM Criteria. Collection method: clinical testing. Allele origin: germline. Observed: 2 variant alleles.
Comment: Pro421Pro in Exon 16 of TMC1: This variant is not expected to have clinical sign ificance because it does not alter an amino acid residue, is not located within the splice consensus sequence, and has been identified in 2/7020 European Americ an chromosomes from a broad population by the NHLBI Exome Sequencing Project (dbSNP rs139985214).

PreventionGenetics, part of Exact Sciences
Classification: Likely benign. Review status: criteria provided, single submitter. Criteria: ACMG Guidelines, 2015. Collection method: clinical testing. Allele origin: germline.

NM_138691.3(TMC1):c.1263A>G (p.Pro421=)

Gene: TMC1 (transmembrane channel like 1; plus strand). Cytogenetic location: 9q21.13.
Variant type: single nucleotide variant.
Coding change: c.1263A>G on transcript NM_138691.3 (MANE Select); coding-DNA position 1263, A replaced by G.
Protein change: p.Pro421=; no amino-acid change (proline 421 retained).
Molecular consequence: synonymous variant.
Genome position (GRCh38, 1-based): chr9:72,791,924, A>G. VCF-style: chr9-72791924-A-G. GRCh37 (hg19) VCF-style: chr9-75406840-A-G.
Identifiers: ClinVar variation 178545 (VCV000178545.18), dbSNP rs139985214, ClinGen allele CA182532.